The following is an entry in ClinVar:

NM_005055.5(RAPSN):c.61C>T (p.Gln21Ter)

Gene: RAPSN (receptor associated protein of the synapse; minus strand). Cytogenetic location: 11p11.2.
Variant type: single nucleotide variant.
Coding change: c.61C>T on transcript NM_005055.5 (MANE Select); coding-DNA position 61, C replaced by T.
Protein change: p.Gln21Ter; replaces glutamine 21 with a stop codon.
Molecular consequence: nonsense.
Genome position (GRCh38, 1-based): chr11:47,448,904, G>A on the plus strand (C>T on the coding strand, the complement: RAPSN is on the minus strand). VCF-style: chr11-47448904-G-A. GRCh37 (hg19) VCF-style: chr11-47470456-G-A.
Other names: c.61C>T, p.Gln21Ter (NM_032645.5); short protein forms Q21*.
Identifiers: ClinVar variation 802677 (VCV000802677.14), dbSNP rs1595903667, ClinGen allele CA380337032.

ClinVar aggregate classification (germline): Pathogenic/Likely pathogenic. Review status: criteria provided, multiple submitters, no conflicts (2 of 4 stars). 4 submissions from 4 submitters: Pathogenic (2); Likely pathogenic (1). 1 of the submissions does not count toward it. Last evaluated 2024-11-18.

Conditions:
Fetal akinesia deformation sequence 2. Identifiers: MedGen C4760576, MONDO:0100102, OMIM 618388.
Congenital myasthenic syndrome (CMS). Also called: Congenital Myasthenic Syndromes. Identifiers: Orphanet 590, MedGen C0751882, MeSH D020294, MONDO:0018940.
Fetal akinesia deformation sequence 1 (FADS1). Also called: Fetal akinesia sequence; Pena-Shokeir syndrome type I. Identifiers: Orphanet 994, MedGen C1276035, MONDO:0100101, OMIM 208150, HP:0001989.
Congenital myasthenic syndrome 11. Also called: MYASTHENIC SYNDROME, CONGENITAL, Ie; Myasthenic syndrome, congenital, 11, associated with acetylcholine receptor deficiency. Identifiers: Orphanet 590, MedGen C4225367, MONDO:0014588, OMIM 616326.

Allele frequency attached by ClinVar (database versions not stated): gnomAD exomes below 0.00001; TOPMed below 0.00001; gnomAD 0.00001.

Submissions (4):

Labcorp Genetics (formerly Invitae), Labcorp
Classification: Pathogenic for Congenital myasthenic syndrome 11; Fetal akinesia deformation sequence 1. Last evaluated: 2024-11-18. Review status: criteria provided, single submitter. Criteria: Invitae Variant Classification Sherloc (09022015). Collection method: clinical testing. Allele origin: germline.
Comment: This sequence change creates a premature translational stop signal (p.Gln21*) in the RAPSN gene. It is expected to result in an absent or disrupted protein product. Loss-of-function variants in RAPSN are known to be pathogenic (PMID: 17686188). This variant is not present in population databases (gnomAD no frequency). This premature translational stop signal has been observed in individual(s) with congenital myasthenic syndrome (PMID: 17686188). ClinVar contains an entry for this variant (Variation ID: 802677). For these reasons, this variant has been classified as Pathogenic.

Baylor Genetics
Classification: Likely pathogenic for Fetal akinesia deformation sequence 2. Last evaluated: 2024-03-09. Review status: criteria provided, single submitter. Criteria: ACMG Guidelines, 2015. Collection method: clinical testing. Allele origin: unknown.

Mendelics
Classification: Pathogenic for Fetal akinesia deformation sequence 1. Last evaluated: 2019-05-28. Review status: criteria provided, single submitter. Criteria: Mendelics Assertion Criteria 2017. Collection method: clinical testing. Allele origin: unknown.

Natera, Inc.
Classification: Pathogenic for Congenital myasthenic syndrome. Last evaluated: 2021-09-21. Review status: no assertion criteria provided. Collection method: clinical testing. Allele origin: germline. Not counted in ClinVar's aggregate classification.

Literature cited by the submitters: PubMed 17686188 (cited by Labcorp Genetics (formerly Invitae), Labcorp).